The following is an entry in ClinVar:

ClinVar aggregate classification (germline): Uncertain significance (1 of 4 stars; one submission).

Conditions:
Dyskeratosis congenita. Identifiers: Orphanet 1775, MedGen C0265965, MONDO:0015780.

Allele frequency attached by ClinVar (database versions not stated): gnomAD exomes below 0.00001; TOPMed below 0.00001; gnomAD 0.00001; 1000 Genomes Project 30x 0.00021.
gnomAD v4.1: 3 of 1,203,709 alleles (0.00025%); highest among the groups gnomAD compares: East Asian, 0.0059%; no homozygotes.

Submission:

Labcorp Genetics (formerly Invitae), Labcorp
Classification: Uncertain significance for Dyskeratosis congenita. Last evaluated: 2022-07-30. Review status: criteria provided, single submitter. Criteria: Invitae Variant Classification Sherloc (09022015). Collection method: clinical testing. Allele origin: germline.
Comment: This sequence change replaces glutamic acid, which is acidic and polar, with aspartic acid, which is acidic and polar, at codon 508 of the DKC1 protein (p.Glu508Asp). This variant is present in population databases (rs186518477, gnomAD 0.02%). This variant has not been reported in the literature in individuals affected with DKC1-related conditions. ClinVar contains an entry for this variant (Variation ID: 966310). Algorithms developed to predict the effect of missense changes on protein structure and function (SIFT, PolyPhen-2, Align-GVGD) all suggest that this variant is likely to be tolerated. In summary, the available evidence is currently insufficient to determine the role of this variant in disease. Therefore, it has been classified as a Variant of Uncertain Significance.

NM_001363.5(DKC1):c.1524G>T (p.Glu508Asp)

Gene: DKC1 (dyskerin pseudouridine synthase 1; plus strand). Cytogenetic location: Xq28.
Variant type: single nucleotide variant.
Coding change: c.1524G>T on transcript NM_001363.5 (MANE Select); coding-DNA position 1524, G replaced by T.
Protein change: p.Glu508Asp; replaces glutamic acid 508 with aspartic acid.
Molecular consequence: missense variant. On other transcripts: 3 prime UTR variant (1), non-coding transcript variant (3).
Genome position (GRCh38, 1-based): chrX:154,776,846, G>T. VCF-style: chrX-154776846-G-T. GRCh37 (hg19) VCF-style: chrX-154005121-G-T.
Other names: c.1509G>T, p.Glu503Asp (NM_001142463.3); c.*750G>T (NM_001288747.2); short protein forms E503D, E508D.
Identifiers: ClinVar variation 966310 (VCV000966310.7), dbSNP rs186518477, ClinGen allele CA10567308.